The following is an entry in ClinVar:

NM_001297716.2(SV2C):c.2001-5del

Gene: SV2C (synaptic vesicle glycoprotein 2C; plus strand). Cytogenetic location: 5q13.3.
Variant type: Deletion.
Coding change: c.2001-5del on transcript NM_001297716.2; 5 bases into the intron before coding-DNA position 2001, one base deleted (T; older notation c.2001-5delT).
Molecular consequence: intron variant.
Genome position (GRCh38, 1-based): chr5:76,353,125, T deleted; the last of 10 consecutive T bases (chr5:76,353,116-76,353,125); deleting any one gives the same sequence. VCF-style (leftmost placement, unchanged base first): chr5-76353115-AT-A. GRCh37 (hg19) VCF-style: chr5-75648940-AT-A.
Identifiers: ClinVar variation 3057159 (VCV003057159.2), dbSNP rs66963762, ClinGen allele CA3311482.

ClinVar aggregate classification (germline): Benign (0 of 4 stars; one submission).

Conditions:
SV2C-related disorder. Also called: SV2C-related condition.

Submission:

PreventionGenetics, part of Exact Sciences
Classification: Benign for SV2C-related condition. Last evaluated: 2019-03-25. Review status: no assertion criteria provided. Collection method: clinical testing. Allele origin: germline.
Comment: This variant is classified as benign based on ACMG/AMP sequence variant interpretation guidelines (Richards et al. 2015 PMID: 25741868, with internal and published modifications).